The following is an entry in ClinVar:

ClinVar aggregate classification (germline): Pathogenic (1 of 4 stars; one submission).

Conditions:
3-methylcrotonyl-CoA carboxylase 2 deficiency. Also called: METHYLCROTONYLGLYCINURIA, TYPE II; 3 alpha methylcrotonyl-CoA carboxylase 2 deficiency; 3 alpha methylcrotonylglycinuria 2; MCC 2 deficiency; Methylcrotonylglycinuria type 2. Identifiers: Orphanet 6, MedGen C1859499, MONDO:0008862, OMIM 210210.

Submission:

Labcorp Genetics (formerly Invitae), Labcorp
Classification: Pathogenic for 3-methylcrotonyl-CoA carboxylase 2 deficiency. Last evaluated: 2025-09-27. Review status: criteria provided, single submitter. Criteria: Invitae Variant Classification Sherloc (09022015). Collection method: clinical testing. Allele origin: germline.
Comment: This sequence change creates a premature translational stop signal (p.Pro186Glnfs*87) in the MCCC2 gene. It is expected to result in an absent or disrupted protein product. Loss-of-function variants in MCCC2 are known to be pathogenic (PMID: 11181649, 22642865). This variant is not present in population databases (gnomAD no frequency). This variant has not been reported in the literature in individuals affected with MCCC2-related conditions. ClinVar contains an entry for this variant (Variation ID: 941833). For these reasons, this variant has been classified as Pathogenic.

Literature cited by the submitters: PubMed 11181649; PubMed 22642865.

NM_022132.5(MCCC2):c.557del (p.Pro186fs)

Gene: MCCC2 (methylcrotonyl-CoA carboxylase subunit 2; plus strand). Cytogenetic location: 5q13.2.
Variant type: Deletion.
Coding change: c.557del on transcript NM_022132.5 (MANE Select); coding-DNA position 557, one base deleted (C; older notation c.557delC).
Protein change: p.Pro186fs; shifts the reading frame from proline 186.
Molecular consequence: frameshift variant.
Genome position (GRCh38, 1-based): chr5:71,604,401, C deleted; the last of 2 consecutive C bases (chr5:71,604,400-71,604,401); deleting either gives the same sequence. VCF-style (leftmost placement, unchanged base first): chr5-71604399-TC-T. GRCh37 (hg19) VCF-style: chr5-70900226-TC-T.
Other names: c.557del, p.Pro186fs (NM_001363147.1); short protein forms P186fs.
Identifiers: ClinVar variation 941833 (VCV000941833.7), dbSNP rs1745582317, ClinGen allele CA1139658885.